The following is an entry in ClinVar:

NM_022124.6(CDH23):c.4870A>G (p.Ile1624Val)

Gene: CDH23 (cadherin related 23; plus strand). Cytogenetic location: 10q22.1.
Variant type: single nucleotide variant.
Coding change: c.4870A>G on transcript NM_022124.6 (MANE Select); coding-DNA position 4870, A replaced by G.
Protein change: p.Ile1624Val; replaces isoleucine 1624 with valine.
Molecular consequence: missense variant.
Genome position (GRCh38, 1-based): chr10:71,777,704, A>G. VCF-style: chr10-71777704-A-G. GRCh37 (hg19) VCF-style: chr10-73537461-A-G.
Other names: short protein forms I1624V.
Identifiers: ClinVar variation 2008269 (VCV002008269.4), dbSNP rs781055821, ClinGen allele CA5545576.

ClinVar aggregate classification (germline): Uncertain significance (1 of 4 stars; one submission).

Allele frequency attached by ClinVar (database versions not stated): ExAC 0.00001.

Submission:

Labcorp Genetics (formerly Invitae), Labcorp
Classification: Uncertain significance. Last evaluated: 2022-06-19. Review status: criteria provided, single submitter. Criteria: Invitae Variant Classification Sherloc (09022015). Collection method: clinical testing. Allele origin: germline.
Comment: This sequence change replaces isoleucine, which is neutral and non-polar, with valine, which is neutral and non-polar, at codon 1624 of the CDH23 protein (p.Ile1624Val). This variant is present in population databases (rs781055821, gnomAD 0.0009%). This variant has not been reported in the literature in individuals affected with CDH23-related conditions. Algorithms developed to predict the effect of missense changes on protein structure and function output the following: SIFT: "Deleterious"; PolyPhen-2: "Not Available"; Align-GVGD: "Class C25". The valine amino acid residue is found in multiple mammalian species, which suggests that this missense change does not adversely affect protein function. In summary, the available evidence is currently insufficient to determine the role of this variant in disease. Therefore, it has been classified as a Variant of Uncertain Significance.